The following is an entry in ClinVar:

NM_194454.3(KRIT1):c.2113A>T (p.Lys705Ter)

Gene: KRIT1 (KRIT1 ankyrin repeat containing; minus strand). Cytogenetic location: 7q21.2.
Variant type: single nucleotide variant.
Coding change: c.2113A>T on transcript NM_194454.3 (MANE Select); coding-DNA position 2113, A replaced by T.
Protein change: p.Lys705Ter; replaces lysine 705 with a stop codon.
Molecular consequence: nonsense.
Genome position (GRCh38, 1-based): chr7:92,201,336, T>A on the plus strand (A>T on the coding strand, the complement: KRIT1 is on the minus strand). VCF-style: chr7-92201336-T-A. GRCh37 (hg19) VCF-style: chr7-91830650-T-A.
Other names: c.1969A>T, p.Lys657Ter (NM_001350670.1, NM_001013406.2, NM_001350669.1); c.1399A>T, p.Lys467Ter (NM_001350671.1); c.2113A>T, p.Lys705Ter (NM_001350674.1, NM_001350675.1, NM_001350676.1 and 26 more transcripts); short protein forms K467*, K657*, K705*.
Identifiers: ClinVar variation 1074229 (VCV001074229.9), dbSNP rs2131087886, ClinGen allele CA368166565.

ClinVar aggregate classification (germline): Pathogenic (1 of 4 stars; one submission).

Conditions:
Cerebral cavernous malformation (CCM). Also called: Cerebral cavernous hemangioma (type); CAVERNOUS ANGIOMA, FAMILIAL; CAVERNOUS ANGIOMATOUS MALFORMATIONS; CEREBRAL CAPILLARY MALFORMATIONS; Cavernous Hemangioma of Brain; Cerebral cavernous malformations. Identifiers: Orphanet 221061, MedGen C2919945, MONDO:0000820, OMIM 116860, HP:0033522.

Submission:

Labcorp Genetics (formerly Invitae), Labcorp
Classification: Pathogenic for Cerebral cavernous malformation. Last evaluated: 2020-09-24. Review status: criteria provided, single submitter. Criteria: Invitae Variant Classification Sherloc (09022015). Collection method: clinical testing. Allele origin: germline.
Comment: This variant disrupts the C-terminus of the KRIT1 protein. Other variant(s) that disrupt this region (p.Phe708*) have been determined to be pathogenic (Invitae). This suggests that variants that disrupt this region of the protein are likely to be causative of disease. For these reasons, this variant has been classified as Pathogenic. This sequence change results in a premature translational stop signal in the KRIT1 gene (p.Lys705*). While this is not anticipated to result in nonsense mediated decay, it is expected to disrupt the last 32 amino acids of the KRIT1 protein. This variant has not been reported in the literature in individuals with KRIT1-related conditions. This variant is not present in population databases (ExAC no frequency).